The following is an entry in ClinVar:

NM_014140.4(SMARCAL1):c.1517del (p.Pro506fs)

Gene: SMARCAL1 (SNF2 related chromatin remodeling annealing helicase 1; plus strand). Cytogenetic location: 2q35.
Variant type: Deletion.
Coding change: c.1517del on transcript NM_014140.4 (MANE Select); coding-DNA position 1517, one base deleted (C; older notation c.1517delC).
Protein change: p.Pro506fs; shifts the reading frame from proline 506.
Molecular consequence: frameshift variant.
Genome position (GRCh38, 1-based): chr2:216,435,369, C deleted; the last of 3 consecutive C bases (chr2:216,435,367-216,435,369); deleting any one gives the same sequence. VCF-style (leftmost placement, unchanged base first): chr2-216435366-GC-G. GRCh37 (hg19) VCF-style: chr2-217300089-GC-G.
Other names: c.1517del, p.Pro506fs (NM_001127207.2); short protein forms P506fs.
Identifiers: ClinVar variation 1069037 (VCV001069037.9), dbSNP rs1226835488, ClinGen allele CA539838516.

ClinVar aggregate classification (germline): Pathogenic (1 of 4 stars; one submission).

Conditions:
Schimke immuno-osseous dysplasia (SIOD). Also called: Schimke Immunoosseous Dysplasia. Identifiers: Orphanet 1830, MedGen C0877024, MONDO:0009458, OMIM 242900.

Submission:

Labcorp Genetics (formerly Invitae), Labcorp
Classification: Pathogenic for Schimke immuno-osseous dysplasia. Last evaluated: 2024-11-04. Review status: criteria provided, single submitter. Criteria: Invitae Variant Classification Sherloc (09022015). Collection method: clinical testing. Allele origin: germline.
Comment: This sequence change creates a premature translational stop signal (p.Pro506Glnfs*8) in the SMARCAL1 gene. It is expected to result in an absent or disrupted protein product. Loss-of-function variants in SMARCAL1 are known to be pathogenic (PMID: 11799392, 20301550). This variant is present in population databases (no rsID available, gnomAD 0.003%). This premature translational stop signal has been observed in individual(s) with short stature, skeletal dysplasia, hyperpigmented skin macules, failure to thrive, global delay, and proteinuria (internal data). ClinVar contains an entry for this variant (Variation ID: 1069037). For these reasons, this variant has been classified as Pathogenic.

Literature cited by the submitters: PubMed 11799392; PubMed 20301550.